The following is an entry in ClinVar:

NM_024649.5(BBS1):c.398C>T (p.Pro133Leu)

Gene: BBS1 (Bardet-Biedl syndrome 1; plus strand). Cytogenetic location: 11q13.2.
Variant type: single nucleotide variant.
Coding change: c.398C>T on transcript NM_024649.5 (MANE Select); coding-DNA position 398, C replaced by T.
Protein change: p.Pro133Leu; replaces proline 133 with leucine.
Molecular consequence: missense variant.
Genome position (GRCh38, 1-based): chr11:66,514,644, C>T. VCF-style: chr11-66514644-C-T. GRCh37 (hg19) VCF-style: chr11-66282115-C-T.
Other names: short protein forms P133L.
Identifiers: ClinVar variation 2073835 (VCV002073835.6), dbSNP rs199532377, ClinGen allele CA6123321.

ClinVar aggregate classification (germline): Uncertain significance. Review status: criteria provided, multiple submitters, no conflicts (2 of 4 stars). 4 submissions from 4 submitters: Uncertain significance (4). Last evaluated 2025-03-31.

Conditions:
BBS1-related disorder. Also called: BBS1-related condition.
Bardet-Biedl syndrome (BBS). Identifiers: Orphanet 110, MedGen C0752166, MONDO:0015229.
Inborn genetic diseases. Identifiers: MedGen C0950123, MeSH D030342.

Allele frequency attached by ClinVar (database versions not stated): TOPMed 0.00003; gnomAD exomes 0.00004; ESP Exome Variant Server 0.00008; 1000 Genomes Project 30x 0.00016; 1000 Genomes Project 0.00020; ExAC 0.00003; gnomAD 0.00003.
gnomAD v4.1: 60 of 1,613,146 alleles (0.0037%); highest among the groups gnomAD compares: Non-Finnish European, 0.0049%; no homozygotes.

Submissions (4):

Ambry Genetics
Classification: Uncertain significance for Inborn genetic diseases. Last evaluated: 2025-03-31. Review status: criteria provided, single submitter. Criteria: Ambry Variant Classification Scheme 2023. Collection method: clinical testing. Allele origin: germline.

PreventionGenetics, part of Exact Sciences
Classification: Uncertain significance for BBS1-related condition. Last evaluated: 2025-01-31. Review status: criteria provided, single submitter. Criteria: ACMG Guidelines, 2015. Collection method: clinical testing. Allele origin: germline.
Comment: The BBS1 c.398C>T variant is predicted to result in the amino acid substitution p.Pro133Leu. To our knowledge, this variant has not been reported in the literature. This variant is reported in 0.0054% of alleles in individuals of East Asian descent in gnomAD. At this time, the clinical significance of this variant is uncertain due to the absence of conclusive functional and genetic evidence.

Blueprint Genetics
Classification: Uncertain significance. Last evaluated: 2022-06-20. Review status: criteria provided, single submitter. Criteria: ACMG Guidelines, 2015. Collection method: clinical testing. Allele origin: germline.

Labcorp Genetics (formerly Invitae), Labcorp
Classification: Uncertain significance for Bardet-Biedl syndrome. Last evaluated: 2022-06-14. Review status: criteria provided, single submitter. Criteria: Invitae Variant Classification Sherloc (09022015). Collection method: clinical testing. Allele origin: germline.
Comment: This sequence change replaces proline, which is neutral and non-polar, with leucine, which is neutral and non-polar, at codon 133 of the BBS1 protein (p.Pro133Leu). This variant is present in population databases (rs199532377, gnomAD 0.003%). This variant has not been reported in the literature in individuals affected with BBS1-related conditions. Algorithms developed to predict the effect of missense changes on protein structure and function are either unavailable or do not agree on the potential impact of this missense change (SIFT: "Deleterious"; PolyPhen-2: "Benign"; Align-GVGD: "Class C0"). In summary, the available evidence is currently insufficient to determine the role of this variant in disease. Therefore, it has been classified as a Variant of Uncertain Significance.